The following is an entry in ClinVar:

ClinVar aggregate classification (germline): Benign/Likely benign (0 of 4 stars; one submission).

Submission:

GeneDx
Classification: Benign/Likely benign. Last evaluated: 2011-04-30. Review status: no assertion criteria provided. Collection method: clinical testing. Allele origin: not provided. Affected: yes. Observed: 7 variant alleles. Clinical features observed: Developmental delay AND/OR other significant developmental or morphological phenotypes.
Comment: Likely benign (1), Benign (6)

GRCh38/hg38 11p15.5(chr11:371634-414570)x3

Genes: B4GALNT4 (beta-1,4-N-acetyl-galactosaminyltransferase 4; plus strand), PKP3 (plakophilin 3; plus strand), SIGIRR (single Ig and TIR domain containing; minus strand), LOC130005062 (ATAC-STARR-seq lymphoblastoid silent region 2998; plus strand), LOC130005063 (ATAC-STARR-seq lymphoblastoid silent region 2999; plus strand) and 1 more. Cytogenetic location: 11p15.5.
Variant type: copy number gain.
Change: copy number 3 (three copies instead of two) of chr11:371,634-414,570 (42.9 kb, GRCh38 coordinates, 1-based), cytogenetic band 11p15.5.
Identifiers: ClinVar variation 144996 (VCV000144996.1).